The following is an entry in ClinVar:

NM_007294.4(BRCA1):c.1091_1092del (p.Pro364fs)

Gene: BRCA1 (BRCA1 DNA repair associated; minus strand). Cytogenetic location: 17q21.31.
Variant type: Deletion.
Coding change: c.1091_1092del on transcript NM_007294.4 (MANE Select); coding-DNA positions 1091 to 1092, 2 bases deleted (CT; older notation c.1091_1092delCT).
Protein change: p.Pro364fs; shifts the reading frame from proline 364.
Molecular consequence: frameshift variant. On other transcripts: intron variant (137).
Genome position (GRCh38, 1-based): chr17:43,094,439-43,094,440, AG deleted on the plus strand (CT on the coding strand, the reverse complement: BRCA1 is on the minus strand). VCF-style (leftmost placement, unchanged base first): chr17-43094438-TAG-T. GRCh37 (hg19) VCF-style: chr17-41246455-TAG-T.
Other names: c.881_882del, p.Pro294fs (NM_001407884.1, NM_001407885.1, NM_001407886.1 and 13 more transcripts); c.878_879del, p.Pro293fs (NM_001407894.1, NM_001407895.1, NM_001407896.1 and 9 more transcripts); c.968_969del, p.Pro323fs (NM_001407919.1, NM_001407937.1, NM_001407938.1 and 19 more transcripts); c.827_828del, p.Pro276fs (NM_001407920.1, NM_001407921.1, NM_001407922.1 and 9 more transcripts); c.824_825del, p.Pro275fs (NM_001407930.1, NM_001407931.1, NM_001407932.1 and 2 more transcripts); c.965_966del, p.Pro322fs (NM_001407940.1, NM_001407941.1, NM_001407649.1 and 11 more transcripts); c.950_951del, p.Pro317fs (NM_001407942.1, NM_001407944.1, NM_001407945.1 and 29 more transcripts); c.947_948del, p.Pro316fs (NM_001407943.1, NM_001407964.1, NM_001407740.1 and 20 more transcripts); and 40 more; short protein forms P364fs, P317fs, P236fs, P293fs, P316fs, P322fs, P237fs, P323fs.
Identifiers: ClinVar variation 462548 (VCV000462548.10), dbSNP rs1555592526, ClinGen allele CA658656797.

ClinVar aggregate classification (germline): Pathogenic/Likely pathogenic. Review status: criteria provided, multiple submitters, no conflicts (2 of 4 stars). 2 submissions from 2 submitters: Pathogenic (1); Likely pathogenic (1). Last evaluated 2017-05-15.

Conditions:
Hereditary breast ovarian cancer syndrome. Also called: Hereditary breast and ovarian cancer syndrome (HBOC); Hereditary breast and ovarian cancer syndrome; Breast and ovarian cancer; Hereditary breast and/or ovarian cancer syndrome; Hereditary breast and ovarian cancer; BRCA1- and BRCA2-Associated Hereditary Breast and Ovarian Cancer. Identifiers: Orphanet 145, MedGen C0677776, MeSH D061325, MONDO:0003582. Disease mechanism: loss of function.

Submissions (2):

Women's Health and Genetics/Laboratory Corporation of America, LabCorp
Classification: Likely pathogenic for Hereditary breast ovarian cancer syndrome. Last evaluated: 2017-05-15. Review status: criteria provided, single submitter. Criteria: LabCorp Variant Classification Summary - May 2015. Collection method: clinical testing. Allele origin: germline.
Comment: Variant summary: The BRCA1 c.1091_1092delCT (p.Pro364Glnfs) variant results in a premature termination codon, predicted to cause a truncated or absent BRCA1 protein due to nonsense mediated decay, which are commonly known mechanisms for disease. Truncations downstream of this position have been classified as pathogenic by our laboratory (e.g. p.Gln1420X, p.Arg1443X, p.Glu1470X, etc.). This variant is absent in 121380 control chromosomes from ExAC. The variant of interest has not, to our knowledge, been reported in affected individuals via publications and/or reputable databases/clinical diagnostic laboratories. Taken together, this variant is classified as likely pathogenic.

Labcorp Genetics (formerly Invitae), Labcorp
Classification: Pathogenic for Hereditary breast ovarian cancer syndrome. Last evaluated: 2017-03-22. Review status: criteria provided, single submitter. Criteria: Invitae Variant Classification Sherloc (09022015). Collection method: clinical testing. Allele origin: germline.
Comment: For these reasons, this variant has been classified as Pathogenic. While this particular variant has not been reported in the literature, loss-of-function variants in BRCA1 are known to be pathogenic (PMID: 20104584). This sequence change deletes 2 nucleotides from exon 10 of the BRCA1 mRNA (c.1091_1092delCT), causing a frameshift at codon 364. This creates a premature translational stop signal (p.Pro364Glnfs*4) and is expected to result in an absent or disrupted protein product.

Literature cited by the submitters: PubMed 20104584 (cited by Labcorp Genetics (formerly Invitae), Labcorp).